The following is an entry in ClinVar:

NM_001283009.2(RTEL1):c.3658C>T (p.Pro1220Ser)

Genes: RTEL1 (regulator of telomere elongation helicase 1; plus strand), RTEL1-TNFRSF6B (RTEL1-TNFRSF6B readthrough (NMD candidate); plus strand). Cytogenetic location: 20q13.33.
Variant type: single nucleotide variant.
Coding change: c.3658C>T on transcript NM_001283009.2 (MANE Select); coding-DNA position 3658, C replaced by T.
Protein change: p.Pro1220Ser; replaces proline 1220 with serine.
Molecular consequence: missense variant. On other transcripts: non-coding transcript variant (1), intron variant (3).
Genome position (GRCh38, 1-based): chr20:63,695,486, C>T. VCF-style: chr20-63695486-C-T. GRCh37 (hg19) VCF-style: chr20-62326839-C-T.
Other names: c.2983+6C>T (NM_001283010.1); c.3724+6C>T (NM_032957.5); c.3652+6C>T (NM_016434.4); short protein forms P1220S.
Identifiers: ClinVar variation 1934675 (VCV001934675.4), dbSNP rs760695241, ClinGen allele CA9966147.
Genomic context (GRCh38, chr20:63,695,486, plus strand): 5'-GCAGGTCCCAGCCAGTCCTCAGGACCTCCCCACGGGCCTGCAGCATCTGAGTGGGGTGAG[C>T]CTCATGGGAGAGACATCGCTGGGCAGCAGGCCACGGGAGCTCCGGGCGGGCCCCTCTCAG-3'
Protein context (NP_001269938.1, residues 1210-1230): HGPAASEWGE[Pro1220Ser]HGRDIAGQQA

ClinVar aggregate classification (germline): Uncertain significance (1 of 4 stars; one submission).

Conditions:
Dyskeratosis congenita, autosomal recessive 5 (DKCB5). Identifiers: MedGen C3554656, MONDO:0014076, OMIM 615190.
Pulmonary fibrosis and/or bone marrow failure, Telomere-related, 3. Also called: PULMONARY FIBROSIS AND/OR BONE MARROW FAILURE SYNDROME, TELOMERE-RELATED, 3. Identifiers: Orphanet 2032, MedGen C4225346, MONDO:0014613, OMIM 616373.

Allele frequency attached by ClinVar (database versions not stated): gnomAD 0.00001; ExAC 0.00001; TOPMed 0.00002.
gnomAD v4.1: 6 of 1,608,502 alleles (0.00037%); highest among the groups gnomAD compares: African/African-American, 0.0053%; no homozygotes.

Submission:

Labcorp Genetics (formerly Invitae), Labcorp
Classification: Uncertain significance for Dyskeratosis congenita, autosomal recessive 5; Pulmonary fibrosis and/or bone marrow failure, Telomere-related, 3. Last evaluated: 2025-02-17. Review status: criteria provided, single submitter. Criteria: Invitae Variant Classification Sherloc (09022015). Collection method: clinical testing. Allele origin: germline.
Comment: This sequence change replaces proline, which is neutral and non-polar, with serine, which is neutral and polar, at codon 1220 of the RTEL1 protein (p.Pro1220Ser). This variant is present in population databases (rs760695241, gnomAD 0.01%). This variant has not been reported in the literature in individuals affected with RTEL1-related conditions. ClinVar contains an entry for this variant (Variation ID: 1934675). An algorithm developed to predict the effect of missense changes on protein structure and function (PolyPhen-2) suggests that this variant is likely to be tolerated. Algorithms developed to predict the effect of sequence changes on RNA splicing suggest that this variant may create or strengthen a splice site. In summary, the available evidence is currently insufficient to determine the role of this variant in disease. Therefore, it has been classified as a Variant of Uncertain Significance.